The following is an entry in ClinVar:

ClinVar aggregate classification (germline): Likely pathogenic (1 of 4 stars; one submission).

Submission:

Seattle Children's Hospital Molecular Genetics Laboratory, Seattle Children's Hospital
Classification: Likely pathogenic. Last evaluated: 2021-07-30. Review status: criteria provided, single submitter. Criteria: ACMG Guidelines, 2015. Collection method: clinical testing. Allele origin: somatic. Affected: yes.
Comment: This variant is not reported in the medical literature, control population database (gnomAD v2.1.1) nor in ClinVar or cancer databases (COSMIC, cBioPortal).

NM_004985.5(KRAS):c.173_214dup (p.Thr58_Tyr71dup)

Gene: KRAS (KRAS proto-oncogene, GTPase; minus strand). Cytogenetic location: 12p12.1.
Variant type: Duplication.
Coding change: c.173_214dup on transcript NM_004985.5 (MANE Select); coding-DNA positions 173 to 214, 42 bases duplicated.
Protein change: p.Thr58_Tyr71dup.
Molecular consequence: inframe insertion.
Genome position (GRCh38, 1-based): chr12:25,227,310-25,227,351, 42 bases duplicated; duplicating any 42 consecutive bases within chr12:25,227,310-25,227,354 gives the same sequence; the c. name uses the placement nearest the transcript's 3' end. GRCh37 (hg19): chr12:25,380,247-25,380,288.
Other names: c.173_214dup, p.Thr58_Tyr71dup (NM_001369786.1, NM_001369787.1, NM_033360.4).
Identifiers: ClinVar variation 1691380 (VCV001691380.2), dbSNP rs2141509791, ClinGen allele CA2573148512.